The following is an entry in ClinVar:

NM_001374736.1(DST):c.20273T>C (p.Met6758Thr)

Gene: DST (dystonin; minus strand). Cytogenetic location: 6p12.1.
Variant type: single nucleotide variant.
Coding change: c.20273T>C on transcript NM_001374736.1 (MANE Select); coding-DNA position 20273, T replaced by C.
Protein change: p.Met6758Thr; replaces methionine 6758 with threonine.
Molecular consequence: missense variant.
Genome position (GRCh38, 1-based): chr6:56,494,131, A>G on the plus strand (T>C on the coding strand, the complement: DST is on the minus strand). VCF-style: chr6-56494131-A-G. GRCh37 (hg19) VCF-style: chr6-56358929-A-G.
Other names: c.13916T>C, p.Met4639Thr (NM_001144769.5); c.13502T>C, p.Met4501Thr (NM_001144770.2); c.20273T>C, p.Met6758Thr (NM_001374722.1); c.19313T>C, p.Met6438Thr (NM_001374729.1); c.13055T>C, p.Met4352Thr (NM_001374730.1); c.20300T>C, p.Met6767Thr (NM_001374734.1); c.13382T>C, p.Met4461Thr (NM_001386100.1, NM_183380.4); c.12404T>C, p.Met4135Thr (NM_015548.5); short protein forms M4135T, M4352T, M4461T, M4501T, M4639T, M6438T, M6758T, M6767T.
Identifiers: ClinVar variation 1054706 (VCV001054706.9), dbSNP rs772356953, ClinGen allele CA3866789.

ClinVar aggregate classification (germline): Uncertain significance (1 of 4 stars; one submission).

Conditions:
Epidermolysis bullosa simplex 3, localized or generalized intermediate, with BP230 deficiency (EBS3). Also called: Epidermolysis bullosa simplex due to BP230 deficiency; Epidermolysis bullosa simplex, autosomal recessive 2. Identifiers: Orphanet 412181, MedGen C3809470, MONDO:0014180, OMIM 615425.
Hereditary sensory and autonomic neuropathy type 6. Also called: HSAN VI; Neuropathy, hereditary sensory and autonomic, type VI. Identifiers: Orphanet 314381, MedGen C3539003, MONDO:0013839, OMIM 614653.

Allele frequency attached by ClinVar (database versions not stated): ExAC 0.00002; TOPMed 0.00002.
gnomAD v4.1: 16 of 1,611,652 alleles (0.00099%); highest among the groups gnomAD compares: Admixed American, 0.025%; no homozygotes.

Submission:

Labcorp Genetics (formerly Invitae), Labcorp
Classification: Uncertain significance for Epidermolysis bullosa simplex 3, localized or generalized intermediate, with BP230 deficiency; Hereditary sensory and autonomic neuropathy type 6. Last evaluated: 2023-04-18. Review status: criteria provided, single submitter. Criteria: Invitae Variant Classification Sherloc (09022015). Collection method: clinical testing. Allele origin: germline.
Comment: In summary, the available evidence is currently insufficient to determine the role of this variant in disease. Therefore, it has been classified as a Variant of Uncertain Significance. Experimental studies and prediction algorithms are not available or were not evaluated, and the functional significance of this variant is currently unknown. This variant has not been reported in the literature in individuals affected with DST-related conditions. This variant is present in population databases (rs772356953, gnomAD 0.04%). This sequence change replaces methionine, which is neutral and non-polar, with threonine, which is neutral and polar, at codon 4135 of the DST protein (p.Met4135Thr). The DST gene has multiple clinically relevant transcripts. This variant occurs in alternate transcript NM_015548.4, and corresponds to NM_001723.5:c.*121386T>C in the primary transcript.